The following is an entry in ClinVar:

NM_016648.4(LARP7):c.274A>T (p.Arg92Ter)

Gene: LARP7 (La ribonucleoprotein 7, transcriptional regulator; plus strand). Cytogenetic location: 4q25.
Variant type: single nucleotide variant.
Coding change: c.274A>T on transcript NM_016648.4 (MANE Select); coding-DNA position 274, A replaced by T.
Protein change: p.Arg92Ter; replaces arginine 92 with a stop codon.
Molecular consequence: nonsense.
Genome position (GRCh38, 1-based): chr4:112,646,422, A>T. VCF-style: chr4-112646422-A-T. GRCh37 (hg19) VCF-style: chr4-113567578-A-T.
Other names: c.274A>T, p.Arg92Ter (NM_001267039.4, NM_001370974.1, NM_001370975.1 and 6 more transcripts); c.37A>T, p.Arg13Ter (NM_001370981.1, NM_001370982.1); short protein forms R13*, R92*.
Identifiers: ClinVar variation 5006715 (VCV005006715.2).

ClinVar aggregate classification (germline): Likely pathogenic (1 of 4 stars; one submission).

Conditions:
Microcephalic primordial dwarfism, Alazami type. Also called: Alazami syndrome; FACIAL DYSMORPHISM, INTELLECTUAL DISABILITY, AND PRIMORDIAL DWARFISM. Identifiers: Orphanet 319671, MedGen C3554439, MONDO:0014031, OMIM 615071.

Submission:

Juno Genomics, Hangzhou Juno Genomics, Inc
Classification: Likely pathogenic for Microcephalic primordial dwarfism, Alazami type. Review status: criteria provided, single submitter. Criteria: ACMG Guidelines, 2015. Collection method: clinical testing. Allele origin: germline.
Comment: Null variant in a gene where loss of function (LOF) is a known mechanism of disease.;Absent from controls (or at extremely low frequency if recessive) in Genome Aggregation Database.